The following is an entry in ClinVar:

NM_001363711.2(DUOX2):c.127A>T (p.Asn43Tyr)

Gene: DUOX2 (dual oxidase 2; minus strand). Cytogenetic location: 15q21.1.
Variant type: single nucleotide variant.
Coding change: c.127A>T on transcript NM_001363711.2 (MANE Select); coding-DNA position 127, A replaced by T.
Protein change: p.Asn43Tyr; replaces asparagine 43 with tyrosine.
Molecular consequence: missense variant.
Genome position (GRCh38, 1-based): chr15:45,113,020, T>A on the plus strand (A>T on the coding strand, the complement: DUOX2 is on the minus strand). VCF-style: chr15-45113020-T-A. GRCh37 (hg19) VCF-style: chr15-45405218-T-A.
Other names: c.127A>T, p.Asn43Tyr (NM_014080.5); short protein forms N43Y.
Identifiers: ClinVar variation 2664832 (VCV002664832.5), dbSNP rs747270555, ClinGen allele CA7539125.
Genomic context (GRCh38, chr15:45,113,020, plus strand): 5'-CAGCACGCCCGGGCCCCCAGAACGCACCAACAGCACCACGCTCGTGGTGCCTCAGGTTGT[T>A]AAACCAGCCGTCATAGCGCTGCACTTCCCAGGGCAGTGAGAGTGCGTCCTGACTGCCTGT-3'
Protein context (NP_001350640.1, residues 33-53): WEVQRYDGWF[Asn43Tyr]NLRHHERGAV

ClinVar aggregate classification (germline): Conflicting classifications of pathogenicity. Review status: criteria provided, conflicting classifications (1 of 4 stars). 3 submissions from 3 submitters: Likely pathogenic (1); Uncertain significance (2). Last evaluated 2025-11-21.

Conditions:
Thyroid dyshormonogenesis 6 (TDH6). Also called: HYPOTHYROIDISM, CONGENITAL, DUE TO DYSHORMONOGENESIS, 6; THYROID HORMONOGENESIS, GENETIC DEFECT IN, 6; Genetic transient congenital hypothyroidism. Identifiers: Orphanet 226316, Orphanet 95716, MedGen C1846632, MONDO:0011792, OMIM 607200.

Allele frequency attached by ClinVar (database versions not stated): gnomAD 0.00001; gnomAD exomes 0.00006; ExAC 0.00009.
gnomAD v4.1: 38 of 1,613,814 alleles (0.0024%); highest among the groups gnomAD compares: East Asian, 0.082%; no homozygotes.

Submissions (3):

3billion
Classification: Uncertain significance for Thyroid dyshormonogenesis 6. Last evaluated: 2025-11-21. Review status: criteria provided, single submitter. Criteria: ACMG Guidelines, 2015. Collection method: clinical testing. Allele origin: germline. Affected: yes.
Comment: The variant is observed at an extremely low frequency in the gnomAD v4.1.0 dataset (total allele frequency: 0.002%). Predicted Consequence/Location: Missense variant In silico tool predictions suggest damaging effect of the variant on gene or gene product [REVEL: 0.94 (>=0.6, sensitivity 0.68 and specificity 0.92)]. The same nucleotide change resulting in the same amino acid change has been previously reported to be associated with DUOX2-related disorder (ClinVar ID: VCV002664832). However, the evidence of pathogenicity is insufficient at this time. Therefore, this variant is classified as VUS according to the recommendation of ACMG/AMP guideline.

Labcorp Genetics (formerly Invitae), Labcorp
Classification: Uncertain significance. Last evaluated: 2024-03-24. Review status: criteria provided, single submitter. Criteria: Invitae Variant Classification Sherloc (09022015). Collection method: clinical testing. Allele origin: germline.
Comment: This sequence change replaces asparagine, which is neutral and polar, with tyrosine, which is neutral and polar, at codon 43 of the DUOX2 protein (p.Asn43Tyr). This variant is present in population databases (rs747270555, gnomAD 0.05%). This missense change has been observed in individual(s) with congenital hypothyroidism (PMID: 25248169, 27166716). ClinVar contains an entry for this variant (Variation ID: 2664832). Advanced modeling of protein sequence and biophysical properties (such as structural, functional, and spatial information, amino acid conservation, physicochemical variation, residue mobility, and thermodynamic stability) performed at Invitae indicates that this missense variant is expected to disrupt DUOX2 protein function with a positive predictive value of 80%. Experimental studies have shown that this missense change affects DUOX2 function (PMID: 25248169). In summary, the available evidence is currently insufficient to determine the role of this variant in disease. Therefore, it has been classified as a Variant of Uncertain Significance.

Genetics and Molecular Pathology, SA Pathology
Classification: Likely pathogenic for Thyroid dyshormonogenesis 6. Last evaluated: 2022-09-19. Review status: criteria provided, single submitter. Criteria: ACMG Guidelines, 2015. Collection method: clinical testing. Allele origin: germline. Inheritance: Autosomal recessive inheritance. Affected: yes.
Comment: The DUOX2 c.127A>T variant is classified as Likely Pathogenic (PS4_moderate, PM2, PS3_supporting, PM1, PP3) The DUOX2 c.127A>T variant is a single nucleotide change in exon 3/34 of the DUOX2 gene, which is predicted to change the amino acid asparagine at position 43 in the protein to tyrosine. The variant has been reported in probands with a clinical presentation of thyroid dyshormonogenesis OMIM: 607200 (PMID:25248169, 27166716, 33631011, 34456971) (PS4_Moderate). The variant is rare in population databases (gnomAD allele frequency = 0.00065%; 1 het and 0 hom in 152142 sequenced alleles; highest frequency = 0.019%, East Asian population) (PM2). A functional study by Jin et al, 2014, demonstrated that this variant resulted in a reduced generation of H2O2 (PMID:25248169) (PS3_supporting). This variant is located in the conserved peroxidase-like domain (PMID:21704604, 17374849)(PM1). Computational predictions support a deleterious effect on the gene or gene product (PP3). The variant has been reported in dbSNP (rs747270555) and in the HGMD database (CM1310002). It has not been reported in ClinVar.

Literature cited by the submitters: PubMed 25248169 (cited by Labcorp Genetics (formerly Invitae), Labcorp and Genetics and Molecular Pathology, SA Pathology); PubMed 27166716 (cited by Labcorp Genetics (formerly Invitae), Labcorp and Genetics and Molecular Pathology, SA Pathology); PubMed 17374849 (cited by Genetics and Molecular Pathology, SA Pathology); PubMed 21704604 (cited by Genetics and Molecular Pathology, SA Pathology); PubMed 33631011 (cited by Genetics and Molecular Pathology, SA Pathology); PubMed 34456971 (cited by Genetics and Molecular Pathology, SA Pathology).